The following is an entry in ClinVar:

NM_001326342.2(CELF2):c.618+1G>A

Gene: CELF2 (CUGBP Elav-like family member 2; plus strand). Cytogenetic location: 10p14.
Variant type: single nucleotide variant.
Coding change: c.618+1G>A on transcript NM_001326342.2 (MANE Select); the canonical splice donor site of the intron after coding-DNA position 618, G replaced by A.
Molecular consequence: splice donor variant. On other transcripts: intron variant (2).
Genome position (GRCh38, 1-based): chr10:11,266,678, G>A. VCF-style: chr10-11266678-G-A. GRCh37 (hg19) VCF-style: chr10-11308641-G-A.
Other names: c.525+1G>A (NM_001326323.2, NM_001326320.2, NM_001326319.2 and 15 more transcripts); c.690+1G>A (NM_001326325.2); c.633+1G>A (NM_001326327.2, NM_001326326.2); c.597+1G>A (NM_001326336.2, NM_001326335.2, NM_001326337.2 and 4 more transcripts); c.-87-3988G>A (NM_001326333.2, NM_001326346.2); c.264+1G>A (NM_001326339.2, NM_001326338.2); c.618+1G>A (NM_001326343.2, NM_001326340.2, NM_001394519.1 and 4 more transcripts); c.549+1G>A (NM_001326347.1).
Identifiers: ClinVar variation 3899489 (VCV003899489.1).
Genomic context (GRCh38, chr10:11,266,678, plus strand): 5'-TCTACAAGGGCAATGGCACAGAATGCAATCAAAGCCATGCATCAGTCTCAGACCATGGAG[G>A]TACTGTATCATCTGCCCTTTCTTTGTTTTCTTTGTGCAAATGATGGGGAATGGTAAAGCA-3'

ClinVar aggregate classification (germline): Uncertain significance (1 of 4 stars; one submission).

Submission:

GeneDx
Classification: Uncertain significance. Last evaluated: 2024-11-18. Review status: criteria provided, single submitter. Criteria: GeneDx Variant Classification Process June 2021. Collection method: clinical testing. Allele origin: germline. Affected: yes.
Comment: Not observed at significant frequency in large population cohorts (gnomAD); Canonical splice site variant in a gene or region of a gene for which loss of function is not a well-established mechanism of disease; Has not been previously published as pathogenic or benign to our knowledge